The following is an entry in ClinVar:

ClinVar aggregate classification (germline): Pathogenic/Likely pathogenic. Review status: criteria provided, multiple submitters, no conflicts (2 of 4 stars). 3 submissions from 3 submitters: Pathogenic (2); Likely pathogenic (1). Last evaluated 2026-08-18.

Conditions:
X-linked Alport syndrome (ATS1). Also called: COL4A5-Related Nephropathy; NEPHROPATHY AND DEAFNESS, X-LINKED. Identifiers: Orphanet 63, Orphanet 88917, MedGen C4746986, MONDO:0010520, OMIM 301050.

Submissions (3):

Myriad Genetics, Inc.
Classification: Pathogenic for X-linked Alport syndrome. Last evaluated: 2026-08-18. Review status: criteria provided, single submitter. Criteria: Myriad Autosomal Dominant, Autosomal Recessive and X-Linked Classification Criteria (2023). Collection method: clinical testing. Allele origin: unknown.
Comment: NM_000495.4(COL4A5):c.3454+1G>C is a variant in a canonical splice site classified as pathogenic in the context of X-linked Alport syndrome. c.3454+1G>C has been observed in cases with relevant disease (PMID: 8441246, 40949880). Relevant functional assessments of this variant are available in the literature (PMID: 8441246). c.3454+1G>C has not been observed in referenced population frequency databases. In summary, NM_000495.4(COL4A5):c.3454+1G>C is a variant in a canonical splice site that has been observed more frequently in cases with the relevant disease than in healthy populations. Please note: this variant was assessed in the context of healthy population screening.

Natera, Inc.
Classification: Likely pathogenic for X-linked Alport syndrome. Last evaluated: 2025-12-22. Review status: criteria provided, single submitter. Criteria: Natera Variant Classification Schema (03/2026). Collection method: clinical testing. Allele origin: germline.
Comment: The c.3454+1G>C variant in COL4A5 is a canonical splice donor site variant predicted to affect pre-mRNA splicing, which may result in an abnormal transcript and altered protein product. This variant is expected to result in nonsense mediated decay, truncation, or a dysfunctional protein product. This variant is rare in the general population with a frequency below the threshold expected for the associated phenotype(s). This variant has been observed in affected individual(s) with monoallelic occurrence (heterozygous/hemizygous) (PMID: 8441246, 40949880). Functional studies show that this variant may disrupt protein function (PMID: 8441246). Given the available evidence, this variant is classified as Likely Pathogenic.

Fulgent Genetics
Classification: Pathogenic for X-linked Alport syndrome. Last evaluated: 2024-03-18. Review status: criteria provided, single submitter. Criteria: ACMG Guidelines, 2015. Collection method: clinical testing. Allele origin: germline.

Literature cited by the submitters: PubMed 40949880 (cited by Myriad Genetics, Inc. and Natera, Inc.); PubMed 8441246 (cited by Myriad Genetics, Inc. and Natera, Inc.).

NM_033380.3(COL4A5):c.3454+1G>C

Gene: COL4A5 (collagen type IV alpha 5 chain; plus strand). Cytogenetic location: Xq22.3.
Variant type: single nucleotide variant.
Coding change: c.3454+1G>C on transcript NM_033380.3 (MANE Select); the canonical splice donor site of the intron after coding-DNA position 3454, G replaced by C.
Molecular consequence: splice donor variant.
Genome position (GRCh38, 1-based): chrX:108,665,588, G>C. VCF-style: chrX-108665588-G-C. GRCh37 (hg19) VCF-style: chrX-107908818-G-C.
Other names: c.3454+1G>C (NM_000495.4, NM_000495.5).
Identifiers: ClinVar variation 3597960 (VCV003597960.3).